The following is an entry in ClinVar:

NM_001048174.2(MUTYH):c.281A>T (p.Asp94Val)

Gene: MUTYH (mutY DNA glycosylase; minus strand). Cytogenetic location: 1p34.1.
Variant type: single nucleotide variant.
Coding change: c.281A>T on transcript NM_001048174.2 (MANE Select); coding-DNA position 281, A replaced by T.
Protein change: p.Asp94Val; replaces aspartic acid 94 with valine.
Molecular consequence: missense variant. On other transcripts: non-coding transcript variant (7).
Genome position (GRCh38, 1-based): chr1:45,333,308, T>A on the plus strand (A>T on the coding strand, the complement: MUTYH is on the minus strand). VCF-style: chr1-45333308-T-A. GRCh37 (hg19) VCF-style: chr1-45798980-T-A.
Other names: c.281A>T, p.Asp94Val (NM_001048171.2, NM_001048173.2, NM_001293195.2 and 6 more transcripts); c.284A>T, p.Asp95Val (NM_001048172.2, NM_001407071.1, NM_001407078.1 and 2 more transcripts); c.365A>T, p.Asp122Val (NM_001128425.2); c.326A>T, p.Asp109Val (NM_001293190.2); c.314A>T, p.Asp105Val (NM_001293191.2, NM_001407077.1); c.5A>T, p.Asp2Val (NM_001293192.2, NM_001293196.2, NM_001407091.1); c.10A>T, p.Thr4Ser (NM_001350650.2, NM_001350651.2, NM_001407082.1); c.356A>T, p.Asp119Val (NM_001407069.1, NM_012222.3); and 3 more; short protein forms D108V, D2V, D95V, D101V, D105V, D66V, D119V, T4S.
Identifiers: ClinVar variation 4113634 (VCV004113634.1).

ClinVar aggregate classification (germline): Uncertain significance (1 of 4 stars; one submission).

Conditions:
Hereditary cancer-predisposing syndrome. Also called: Hereditary neoplastic syndrome; Neoplastic Syndromes, Hereditary; Tumor predisposition; Hereditary Cancer Syndrome. Identifiers: Orphanet 140162, MedGen C0027672, MeSH D009386, MONDO:0015356.

Submission:

Ambry Genetics
Classification: Uncertain significance for Hereditary cancer-predisposing syndrome. Last evaluated: 2025-08-27. Review status: criteria provided, single submitter. Criteria: Ambry Variant Classification Scheme 2023. Collection method: clinical testing. Allele origin: germline.
Comment: The p.D122V variant (also known as c.365A>T), located in coding exon 4 of the MUTYH gene, results from an A to T substitution at nucleotide position 365. The aspartic acid at codon 122 is replaced by valine, an amino acid with highly dissimilar properties. This amino acid position is conserved. In addition, the in silico prediction for this alteration is inconclusive. Based on the available evidence, the clinical significance of this variant remains unclear.